The following is an entry in ClinVar:

NM_001127222.2(CACNA1A):c.1060C>T (p.Leu354Phe)

Genes: CACNA1A (calcium voltage-gated channel subunit alpha1 A; minus strand), LOC126862866 (MED14-independent group 3 enhancer GRCh37_chr19:13445719-13446918; plus strand). Cytogenetic location: 19p13.13.
Variant type: single nucleotide variant.
Coding change: c.1060C>T on transcript NM_001127222.2 (MANE Select); coding-DNA position 1060, C replaced by T.
Protein change: p.Leu354Phe; replaces leucine 354 with phenylalanine.
Molecular consequence: missense variant.
Genome position (GRCh38, 1-based): chr19:13,335,828, G>A on the plus strand (C>T on the coding strand, the complement: CACNA1A is on the minus strand). VCF-style: chr19-13335828-G-A. GRCh37 (hg19) VCF-style: chr19-13446642-G-A.
Other names: c.1060C>T, p.Leu354Phe (NM_000068.4, NM_001127221.2, NM_001174080.2 and 1 more transcripts); short protein forms L354F.
Identifiers: ClinVar variation 437417 (VCV000437417.7), dbSNP rs1555767914, ClinGen allele CA404346701.

ClinVar aggregate classification (germline): Conflicting classifications of pathogenicity. Review status: criteria provided, conflicting classifications (1 of 4 stars). 3 submissions from 3 submitters: Pathogenic (1); Likely pathogenic (1); Uncertain significance (1). Last evaluated 2025-01-02.

Conditions:
Migraine, familial hemiplegic, 1. Also called: MIGRAINE, FAMILIAL HEMIPLEGIC 1, WITH PROGRESSIVE CEREBELLAR ATAXIA. Identifiers: Orphanet 569, MedGen C1832884, MONDO:0020756, OMIM 141500, MONDO:0007714.

Submissions (3):

Women's Health and Genetics/Laboratory Corporation of America, LabCorp
Classification: Uncertain significance. Last evaluated: 2025-01-02. Review status: criteria provided, single submitter. Criteria: LabCorp Variant Classification Summary - May 2015. Collection method: clinical testing. Allele origin: germline.
Comment: Variant summary: CACNA1A c.1060C>T (p.Leu354Phe) results in a non-conservative amino acid change located in the Ion transport domain (IPR005821) of the encoded protein sequence. Five of five in-silico tools predict a damaging effect of the variant on protein function. The variant was absent in 242656 control chromosomes. The available data on variant occurrences in the general population are insufficient to allow any conclusion about variant significance. To our knowledge, no occurrence of c.1060C>T in individuals affected with Epileptic Encephalopathy, Early Infantile, 42 and no experimental evidence demonstrating its impact on protein function have been reported. ClinVar contains an entry for this variant (Variation ID: 437417). Based on the evidence outlined above, the variant was classified as uncertain significance.

GeneDx
Classification: Pathogenic. Last evaluated: 2023-06-14. Review status: criteria provided, single submitter. Criteria: GeneDx Variant Classification Process June 2021. Collection method: clinical testing. Allele origin: germline. Affected: yes.
Comment: Not observed at significant frequency in large population cohorts (gnomAD); In silico analysis supports that this missense variant has a deleterious effect on protein structure/function; Has not been previously published as pathogenic or benign to our knowledge

Center of Genomic medicine, Geneva, University Hospital of Geneva
Classification: Likely pathogenic for Migraine, familial hemiplegic, 1. Last evaluated: 2017-02-08. Review status: criteria provided, single submitter. Criteria: ACMG Guidelines, 2015. Collection method: clinical testing. Allele origin: de novo. Affected: yes.